The following is an entry in ClinVar:

NM_001199397.3(NEK1):c.1402G>T (p.Glu468Ter)

Gene: NEK1 (NIMA related kinase 1; minus strand). Cytogenetic location: 4q33.
Variant type: single nucleotide variant.
Coding change: c.1402G>T on transcript NM_001199397.3 (MANE Select); coding-DNA position 1402, G replaced by T.
Protein change: p.Glu468Ter; replaces glutamic acid 468 with a stop codon.
Molecular consequence: nonsense. On other transcripts: non-coding transcript variant (1).
Genome position (GRCh38, 1-based): chr4:169,555,960, C>A on the plus strand (G>T on the coding strand, the complement: NEK1 is on the minus strand). VCF-style: chr4-169555960-C-A. GRCh37 (hg19) VCF-style: chr4-170477111-C-A.
Other names: c.1402G>T, p.Glu468Ter (NM_001199398.3, NM_001199400.3, NM_001374418.1 and 6 more transcripts); c.1327G>T, p.Glu443Ter (NM_001199399.3); c.1351G>T, p.Glu451Ter (NM_001374420.1); c.1276G>T, p.Glu426Ter (NM_001374421.1); c.781G>T, p.Glu261Ter (NM_001440624.1, NM_001440625.1); short protein forms E468*, E261*, E451*, E426*, E443*.
Identifiers: ClinVar variation 5006748 (VCV005006748.2).

ClinVar aggregate classification (germline): Likely pathogenic (1 of 4 stars; one submission).

Conditions:
Short-rib thoracic dysplasia 6 with or without polydactyly (SRTD6). Also called: Majewski Syndrome; POLYDACTYLY WITH NEONATAL CHONDRODYSTROPHY, TYPE II; SHORT RIB-POLYDACTYLY SYNDROME, TYPE IIA; SHORT-RIB THORACIC DYSPLASIA 6 WITH POLYDACTYLY; SHORT-RIB THORACIC DYSPLASIA 6 WITHOUT POLYDACTYLY. Identifiers: MedGen C0024507, MONDO:0009894, OMIM 263520.
Mohr syndrome (OFD2). Also called: OFDS II; ORAL-FACIAL-DIGITAL SYNDROME, TYPE II; OROFACIODIGITAL SYNDROME II. Identifiers: Orphanet 2751, MedGen C0026363, MONDO:0009642, OMIM 252100.
Amyotrophic lateral sclerosis, susceptibility to, 24. Identifiers: MedGen C4693523, MONDO:0054750, OMIM 617892.

Submission:

Juno Genomics, Hangzhou Juno Genomics, Inc
Classification: Likely pathogenic for Mohr syndrome; Amyotrophic lateral sclerosis, susceptibility to, 24; Short-rib thoracic dysplasia 6 with or without polydactyly. Review status: criteria provided, single submitter. Criteria: ACMG Guidelines, 2015. Collection method: clinical testing. Allele origin: germline.
Comment: Null variant in a gene where loss of function (LOF) is a known mechanism of disease.;Absent from controls (or at extremely low frequency if recessive) in Genome Aggregation Database.